The following is an entry in ClinVar:

NM_014363.6(SACS):c.13474G>A (p.Val4492Met)

Gene: SACS (sacsin molecular chaperone; minus strand). Cytogenetic location: 13q12.12.
Variant type: single nucleotide variant.
Coding change: c.13474G>A on transcript NM_014363.6 (MANE Select); coding-DNA position 13474, G replaced by A.
Protein change: p.Val4492Met; replaces valine 4492 with methionine.
Molecular consequence: missense variant.
Genome position (GRCh38, 1-based): chr13:23,330,402, C>T on the plus strand (G>A on the coding strand, the complement: SACS is on the minus strand). VCF-style: chr13-23330402-C-T. GRCh37 (hg19) VCF-style: chr13-23904541-C-T.
Other names: c.13033G>A, p.Val4345Met (NM_001278055.2); short protein forms V4492M, V4345M.
Identifiers: ClinVar variation 527999 (VCV000527999.4), dbSNP rs774647600, ClinGen allele CA6909957.

ClinVar aggregate classification (germline): Uncertain significance. Review status: criteria provided, multiple submitters, no conflicts (2 of 4 stars). 2 submissions from 2 submitters: Uncertain significance (2). Last evaluated 2022-08-24.

Conditions:
Spastic paraplegia. Identifiers: MedGen C0037772, HP:0001258.

Allele frequency attached by ClinVar (database versions not stated): gnomAD exomes below 0.00001 and 0.00001; ExAC 0.00001; TOPMed 0.00001.
gnomAD v4.1: 3 of 1,614,222 alleles (0.00019%); highest among the groups gnomAD compares: Non-Finnish European, 0.00025%; no homozygotes.

Submissions (2):

Blueprint Genetics
Classification: Uncertain significance. Last evaluated: 2022-08-24. Review status: criteria provided, single submitter. Criteria: ACMG Guidelines, 2015. Collection method: clinical testing. Allele origin: germline.

Labcorp Genetics (formerly Invitae), Labcorp
Classification: Uncertain significance for Spastic paraplegia. Last evaluated: 2021-08-26. Review status: criteria provided, single submitter. Criteria: Invitae Variant Classification Sherloc (09022015). Collection method: clinical testing. Allele origin: germline.
Comment: This sequence change replaces valine with methionine at codon 4492 of the SACS protein (p.Val4492Met). The valine residue is moderately conserved and there is a small physicochemical difference between valine and methionine. This variant is present in population databases (rs774647600, ExAC 0.001%). This variant has not been reported in the literature in individuals affected with SACS-related conditions. Algorithms developed to predict the effect of missense changes on protein structure and function are either unavailable or do not agree on the potential impact of this missense change (SIFT: "Deleterious"; PolyPhen-2: "Probably Damaging"; Align-GVGD: "Class C0"). In summary, the available evidence is currently insufficient to determine the role of this variant in disease. Therefore, it has been classified as a Variant of Uncertain Significance.